The following is an entry in ClinVar:

NM_001242.5(CD27):c.266_267del (p.Ser89fs)

Genes: CD27 (CD27 molecule; plus strand), CD27-AS1 (CD27 antisense RNA 1; minus strand). Cytogenetic location: 12p13.31.
Variant type: Microsatellite.
Coding change: c.266_267del on transcript NM_001242.5 (MANE Select); coding-DNA positions 266 to 267, 2 bases deleted (CT; older notation c.266_267delCT).
Protein change: p.Ser89fs; shifts the reading frame from serine 89.
Molecular consequence: frameshift variant.
Genome position (GRCh38, 1-based): chr12:6,445,553-6,445,554, CT deleted; deleting any 2 consecutive bases within chr12:6,445,551-6,445,554 gives the same sequence; the c. name uses the placement nearest the transcript's 3' end. VCF-style (leftmost placement, unchanged base first): chr12-6445550-ACT-A. GRCh37 (hg19) VCF-style: chr12-6554716-ACT-A.
Other names: short protein forms S89fs.
Identifiers: ClinVar variation 1701181 (VCV001701181.18), dbSNP rs2136960831, ClinGen allele CA2580615124.

ClinVar aggregate classification (germline): Pathogenic (1 of 4 stars; one submission).

Submission:

CeGaT Center for Human Genetics Tuebingen
Classification: Pathogenic. Last evaluated: 2022-05-01. Review status: criteria provided, single submitter. Criteria: CeGaT Center For Human Genetics Tuebingen Variant Classification Criteria Version 2. Collection method: clinical testing. Allele origin: germline. Affected: yes. Observed: 2 variant alleles.
Comment: CD27: PVS1, PM2, PP4